The following is an entry in ClinVar:

NM_000535.7(PMS2):c.544G>T (p.Ala182Ser)

Gene: PMS2 (PMS1 homolog 2, mismatch repair system component; minus strand). Cytogenetic location: 7p22.1.
Variant type: single nucleotide variant.
Coding change: c.544G>T on transcript NM_000535.7 (MANE Select); coding-DNA position 544, G replaced by T.
Protein change: p.Ala182Ser; replaces alanine 182 with serine.
Molecular consequence: missense variant. On other transcripts: non-coding transcript variant (1), intron variant (9).
Genome position (GRCh38, 1-based): chr7:5,999,269, C>A on the plus strand (G>T on the coding strand, the complement: PMS2 is on the minus strand). VCF-style: chr7-5999269-C-A. GRCh37 (hg19) VCF-style: chr7-6038900-C-A.
Other names: c.139G>T, p.Ala47Ser (NM_001406910.1, NM_001322003.2, NM_001322004.2 and 21 more transcripts); c.544G>T, p.Ala182Ser (NM_001406912.1, NM_001322006.2, NM_001322014.2 and 5 more transcripts); c.132+3184G>T (NM_001406911.1); c.133-1846G>T (NM_001322013.2, NM_001406909.1); c.-347-43G>T (NM_001322012.2, NM_001322011.2); c.251-43G>T (NM_001406885.1); c.537+3184G>T (NM_001406886.1); c.538-1846G>T (NM_001406884.1, NM_001406874.1); and 4 more; short protein forms A244S, A47S, A76S, A79S, A190S, A182S.
Identifiers: ClinVar variation 3935111 (VCV003935111.1).
Genomic context (GRCh38, chr7:5,999,269, plus strand): 5'-AACTTACACGGATGCCTGCTGAAATGATACAGTATGCATGTAAGACCTGGACCATTTTGG[C>A]ATACTCCTGTTTAAAAAACACAAACACAATATTCTACATTACTTTAATATTATAGGAATT-3'
Protein context (NP_000526.2, residues 172-192): EFQRNIKKEY[Ala182Ser]KMVQVLHAYC

ClinVar aggregate classification (germline): Uncertain significance (1 of 4 stars; one submission).

Conditions:
Hereditary cancer-predisposing syndrome. Also called: Tumor predisposition; Hereditary neoplastic syndrome; Hereditary Cancer Syndrome; Neoplastic Syndromes, Hereditary. Identifiers: Orphanet 140162, MedGen C0027672, MeSH D009386, MONDO:0015356.

Submission:

Ambry Genetics
Classification: Uncertain significance for Hereditary cancer-predisposing syndrome. Last evaluated: 2025-03-17. Review status: criteria provided, single submitter. Criteria: Ambry Variant Classification Scheme 2023. Collection method: clinical testing. Allele origin: germline.
Comment: The p.A182S variant (also known as c.544G>T), located in coding exon 6 of the PMS2 gene, results from a G to T substitution at nucleotide position 544. The alanine at codon 182 is replaced by serine, an amino acid with similar properties. This amino acid position is conserved. In addition, this alteration is predicted to be tolerated by in silico analysis. Based on the available evidence, the clinical significance of this variant remains unclear.